The following is an entry in ClinVar:

ClinVar aggregate classification (germline): Pathogenic (1 of 4 stars; one submission).

Conditions:
Spastic paraplegia. Identifiers: MedGen C0037772, HP:0001258.

Submission:

Labcorp Genetics (formerly Invitae), Labcorp
Classification: Pathogenic for Spastic paraplegia. Last evaluated: 2023-07-19. Review status: criteria provided, single submitter. Criteria: Invitae Variant Classification Sherloc (09022015). Collection method: clinical testing. Allele origin: unknown.
Comment: This variant disrupts a region of the CYP7B1 protein in which other variant(s) (p.Arg486Cys) have been determined to be pathogenic (PMID: 19439420, 21623769, 23812641, 24117163). This suggests that this is a clinically significant region of the protein, and that variants that disrupt it are likely to be disease-causing. For these reasons, this variant has been classified as Pathogenic. This variant has not been reported in the literature in individuals affected with CYP7B1-related conditions. This variant is a gross deletion of the genomic region encompassing exon(s) 6 of the CYP7B1 gene, which includes the termination codon. This deletion extends beyond the assayed region for this gene and therefore may encompass additional genes. While this deletion is not anticipated to lead to nonsense mediated decay, it is expected to alter mRNA translation or result in a truncated protein product.

Literature cited by the submitters: PubMed 19439420; PubMed 21623769; PubMed 23812641; PubMed 24117163.

NC_000008.10:g.(?_65509199)_(65509506_?)del

Gene: CYP7B1 (cytochrome P450 family 7 subfamily B member 1; minus strand). Cytogenetic location: 8q12.3.
Variant type: Deletion.
Identifiers: ClinVar variation 3245414 (VCV003245414.1).